The following is an entry in ClinVar:

NM_001127671.2(LIFR):c.2284T>C (p.Tyr762His)

Gene: LIFR (LIF receptor subunit alpha; minus strand). Cytogenetic location: 5p13.1.
Variant type: single nucleotide variant.
Coding change: c.2284T>C on transcript NM_001127671.2 (MANE Select); coding-DNA position 2284, T replaced by C.
Protein change: p.Tyr762His; replaces tyrosine 762 with histidine.
Molecular consequence: missense variant.
Genome position (GRCh38, 1-based): chr5:38,489,129, A>G on the plus strand (T>C on the coding strand, the complement: LIFR is on the minus strand). VCF-style: chr5-38489129-A-G. GRCh37 (hg19) VCF-style: chr5-38489231-A-G.
Other names: c.2284T>C (NM_002310.5); c.2284T>C, p.Tyr762His (NM_001364297.2, NM_001364298.2, NM_002310.6); short protein forms Y762H.
Identifiers: ClinVar variation 2058537 (VCV002058537.6), dbSNP rs200270315, ClinGen allele CA3242706.

ClinVar aggregate classification (germline): Conflicting classifications of pathogenicity. Review status: criteria provided, conflicting classifications (1 of 4 stars). 4 submissions from 4 submitters: Uncertain significance (3); Likely benign (1). Last evaluated 2025-08-09.

Conditions:
Stüve-Wiedemann syndrome 1. Also called: STUVE-WIEDEMANN/SCHWARTZ-JAMPEL TYPE 2 SYNDROME. Identifiers: Orphanet 3206, MedGen C5676888, MONDO:0800043, OMIM 601559.
Inborn genetic diseases. Identifiers: MedGen C0950123, MeSH D030342.

Allele frequency attached by ClinVar (database versions not stated): ExAC 0.00003; gnomAD 0.00006; ESP Exome Variant Server 0.00008; TOPMed 0.00009.
gnomAD v4.1: 126 of 1,612,994 alleles (0.0078%); highest among the groups gnomAD compares: Middle Eastern, 0.049%; no homozygotes.

Submissions (4):

Ambry Genetics
Classification: Uncertain significance for Inborn genetic diseases. Last evaluated: 2025-08-09. Review status: criteria provided, single submitter. Criteria: Ambry Variant Classification Scheme 2023. Collection method: clinical testing. Allele origin: germline.

3billion
Classification: Likely benign for Stüve-Wiedemann syndrome 1. Last evaluated: 2024-09-20. Review status: criteria provided, single submitter. Criteria: ACMG Guidelines, 2015. Collection method: clinical testing. Allele origin: germline. Affected: no.
Comment: The homozygous variant was found in patients diagnosed with another variant in a different gene, with no symptoms related to the gene containing the homozygous variant.

Fulgent Genetics
Classification: Uncertain significance for Stüve-Wiedemann syndrome 1. Last evaluated: 2024-06-09. Review status: criteria provided, single submitter. Criteria: ACMG Guidelines, 2015. Collection method: clinical testing. Allele origin: germline.

Labcorp Genetics (formerly Invitae), Labcorp
Classification: Uncertain significance. Last evaluated: 2022-05-16. Review status: criteria provided, single submitter. Criteria: Invitae Variant Classification Sherloc (09022015). Collection method: clinical testing. Allele origin: germline.
Comment: This sequence change replaces tyrosine, which is neutral and polar, with histidine, which is basic and polar, at codon 762 of the LIFR protein (p.Tyr762His). This variant is present in population databases (rs200270315, gnomAD 0.01%). This variant has not been reported in the literature in individuals affected with LIFR-related conditions. Algorithms developed to predict the effect of missense changes on protein structure and function (SIFT, PolyPhen-2, Align-GVGD) all suggest that this variant is likely to be tolerated. In summary, the available evidence is currently insufficient to determine the role of this variant in disease. Therefore, it has been classified as a Variant of Uncertain Significance.